The following is an entry in ClinVar:

NM_024580.6(EFL1):c.902T>C (p.Ile301Thr)

Genes: EFL1 (elongation factor like GTPase 1; minus strand), LOC129390726 (MPRA-validated peak2402 silencer; plus strand). Cytogenetic location: 15q25.2.
Variant type: single nucleotide variant.
Coding change: c.902T>C on transcript NM_024580.6 (MANE Select); coding-DNA position 902, T replaced by C.
Protein change: p.Ile301Thr; replaces isoleucine 301 with threonine.
Molecular consequence: missense variant. On other transcripts: non-coding transcript variant (1).
Genome position (GRCh38, 1-based): chr15:82,229,064, A>G on the plus strand (T>C on the coding strand, the complement: EFL1 is on the minus strand). VCF-style: chr15-82229064-A-G. GRCh37 (hg19) VCF-style: chr15-82521405-A-G.
Other names: c.749T>C, p.Ile250Thr (NM_001040610.3); c.113T>C, p.Ile38Thr (NM_001322844.2); c.902T>C, p.Ile301Thr (NM_001322845.2); short protein forms I250T, I301T, I38T.
Identifiers: ClinVar variation 1982281 (VCV001982281.2), dbSNP rs376071534, ClinGen allele CA273429195.

ClinVar aggregate classification (germline): Uncertain significance (1 of 4 stars; one submission).

Allele frequency attached by ClinVar (database versions not stated): gnomAD exomes below 0.00001; TOPMed below 0.00001; ESP Exome Variant Server 0.00008.
gnomAD v4.1: 4 of 1,612,138 alleles (0.00025%); highest among the groups gnomAD compares: Non-Finnish European, 0.00034%; no homozygotes.

Submission:

Labcorp Genetics (formerly Invitae), Labcorp
Classification: Uncertain significance. Last evaluated: 2022-08-04. Review status: criteria provided, single submitter. Criteria: Invitae Variant Classification Sherloc (09022015). Collection method: clinical testing. Allele origin: germline.
Comment: This sequence change replaces isoleucine, which is neutral and non-polar, with threonine, which is neutral and polar, at codon 301 of the EFL1 protein (p.Ile301Thr). This variant is not present in population databases (gnomAD no frequency). This missense change has been observed in individual(s) with clinical features of Shwachman-Diamond syndrome (Invitae). Algorithms developed to predict the effect of missense changes on protein structure and function are either unavailable or do not agree on the potential impact of this missense change (SIFT: "Deleterious"; PolyPhen-2: "Probably Damaging"; Align-GVGD: "Class C0"). In summary, the available evidence is currently insufficient to determine the role of this variant in disease. Therefore, it has been classified as a Variant of Uncertain Significance.